The following is an entry in ClinVar:

ClinVar aggregate classification (germline): Uncertain significance (1 of 4 stars; one submission).

Allele frequency attached by ClinVar (database versions not stated): gnomAD exomes below 0.00001; TOPMed 0.00001; gnomAD 0.00002.

Submission:

Labcorp Genetics (formerly Invitae), Labcorp
Classification: Uncertain significance. Last evaluated: 2022-07-13. Review status: criteria provided, single submitter. Criteria: Invitae Variant Classification Sherloc (09022015). Collection method: clinical testing. Allele origin: germline.
Comment: This sequence change replaces cysteine, which is neutral and slightly polar, with arginine, which is basic and polar, at codon 82 of the TIMM50 protein (p.Cys82Arg). This variant is not present in population databases (gnomAD no frequency). This variant has not been reported in the literature in individuals affected with TIMM50-related conditions. Algorithms developed to predict the effect of missense changes on protein structure and function output the following: SIFT: "Not Available"; PolyPhen-2: "Benign"; Align-GVGD: "Not Available". The arginine amino acid residue is found in multiple mammalian species, which suggests that this missense change does not adversely affect protein function. In summary, the available evidence is currently insufficient to determine the role of this variant in disease. Therefore, it has been classified as a Variant of Uncertain Significance.

NC_000019.10:g.39480788T>C

Gene: TIMM50 (translocase of inner mitochondrial membrane 50; plus strand). Cytogenetic location: 19q13.2.
Variant type: single nucleotide variant.
Genome position: GRCh38 VCF-style: chr19-39480788-T-C. GRCh37 (hg19) VCF-style: chr19-39971428-T-C.
Identifiers: ClinVar variation 1988279 (VCV001988279.1), dbSNP rs1215711679, ClinGen allele CA405785667.